The following is an entry in ClinVar:

NM_198282.4(STING1):c.7C>T (p.His3Tyr)

Gene: STING1 (stimulator of interferon response cGAMP interactor 1; minus strand). Cytogenetic location: 5q31.2.
Variant type: single nucleotide variant.
Coding change: c.7C>T on transcript NM_198282.4 (MANE Select); coding-DNA position 7, C replaced by T.
Protein change: p.His3Tyr; replaces histidine 3 with tyrosine.
Molecular consequence: missense variant. On other transcripts: intron variant (1).
Genome position (GRCh38, 1-based): chr5:139,481,698, G>A on the plus strand (C>T on the coding strand, the complement: STING1 is on the minus strand). VCF-style: chr5-139481698-G-A. GRCh37 (hg19) VCF-style: chr5-138861283-G-A.
Other names: c.7C>T, p.His3Tyr (LRG_1308t1, NM_001301738.2); c.-130-356C>T (NM_001367258.1); short protein forms H3Y.
Identifiers: ClinVar variation 639483 (VCV000639483.9), dbSNP rs1490896074, ClinGen allele CA361482053.

ClinVar aggregate classification (germline): Uncertain significance (1 of 4 stars; one submission).

Conditions:
STING-associated vasculopathy with onset in infancy. Also called: Sting-associated vasculopathy, infantile-onset. Identifiers: Orphanet 425120, MedGen C4014722, MONDO:0014405, OMIM 615934.

Allele frequency attached by ClinVar (database versions not stated): gnomAD exomes below 0.00001; TOPMed below 0.00001.
gnomAD v4.1: 6 of 1,598,028 alleles (0.00038%); highest among the groups gnomAD compares: Non-Finnish European, 0.00043%; no homozygotes.

Submission:

Labcorp Genetics (formerly Invitae), Labcorp
Classification: Uncertain significance for STING-associated vasculopathy with onset in infancy. Last evaluated: 2023-07-10. Review status: criteria provided, single submitter. Criteria: Invitae Variant Classification Sherloc (09022015). Collection method: clinical testing. Allele origin: germline.
Comment: This variant has not been reported in the literature in individuals affected with TMEM173-related conditions. In summary, the available evidence is currently insufficient to determine the role of this variant in disease. Therefore, it has been classified as a Variant of Uncertain Significance. Algorithms developed to predict the effect of missense changes on protein structure and function output the following: SIFT: "Not Available"; PolyPhen-2: "Benign"; Align-GVGD: "Not Available". The tyrosine amino acid residue is found in multiple mammalian species, which suggests that this missense change does not adversely affect protein function. ClinVar contains an entry for this variant (Variation ID: 639483). This variant is present in population databases (no rsID available, gnomAD 0.0009%). This sequence change replaces histidine, which is basic and polar, with tyrosine, which is neutral and polar, at codon 3 of the TMEM173 protein (p.His3Tyr).